The following is an entry in ClinVar:

ClinVar aggregate classification (germline): Pathogenic (1 of 4 stars; one submission).

Submission:

Labcorp Genetics (formerly Invitae), Labcorp
Classification: Pathogenic. Last evaluated: 2023-05-13. Review status: criteria provided, single submitter. Criteria: Invitae Variant Classification Sherloc (09022015). Collection method: clinical testing. Allele origin: germline.
Comment: ClinVar contains an entry for this variant (Variation ID: 2138428). This variant is not present in population databases (gnomAD no frequency). This frameshift has been observed in individual(s) with Charcot-Marie-Tooth disease (PMID: 28709447). It has also been observed to segregate with disease in related individuals. Experimental studies have shown that this frameshift affects NEFH function (PMID: 28709447). Algorithms developed to predict the effect of variants on protein structure and function are not available or were not evaluated for this variant. For these reasons, this variant has been classified as Pathogenic. This sequence change results in a frameshift in the NEFH gene (p.Lys1003Argfs*59). While this is not anticipated to result in nonsense mediated decay, it is expected to disrupt the last 18 amino acid(s) of the NEFH protein and extend the protein by 40 additional amino acid residues.

Literature cited by the submitters: PubMed 28709447.

NM_021076.4(NEFH):c.3008_3009del (p.Lys1003fs)

Gene: NEFH (neurofilament heavy chain; plus strand). Cytogenetic location: 22q12.2.
Variant type: Deletion.
Coding change: c.3008_3009del on transcript NM_021076.4 (MANE Select); coding-DNA positions 3008 to 3009, 2 bases deleted (AA; older notation c.3008_3009delAA).
Protein change: p.Lys1003fs; shifts the reading frame from lysine 1003.
Molecular consequence: frameshift variant.
Genome position (GRCh38, 1-based): chr22:29,490,648-29,490,649, AA deleted; deleting any 2 consecutive bases within chr22:29,490,645-29,490,649 gives the same sequence; the c. name uses the placement nearest the transcript's 3' end. VCF-style (leftmost placement, unchanged base first): chr22-29490644-CAA-C. GRCh37 (hg19) VCF-style: chr22-29886633-CAA-C.
Other names: short protein forms K1003fs.
Identifiers: ClinVar variation 2138428 (VCV002138428.4), dbSNP rs1569198407, ClinGen allele CA923726239.